The following is an entry in ClinVar:

ClinVar aggregate classification (germline): Uncertain significance (1 of 4 stars; one submission).

Submission:

GeneDx
Classification: Uncertain significance. Last evaluated: 2021-06-17. Review status: criteria provided, single submitter. Criteria: GeneDx Variant Classification Process June 2021. Collection method: clinical testing. Allele origin: germline. Affected: yes.
Comment: Has not been previously published as pathogenic or benign to our knowledge; Not observed at significant frequency in large population cohorts (Lek et al., 2016); In silico analysis supports that this missense variant has a deleterious effect on protein structure/function; This variant is associated with the following publications: (PMID: 27535533, 29493581)

NM_005633.4(SOS1):c.1706T>C (p.Leu569Pro)

Gene: SOS1 (SOS Ras/Rac guanine nucleotide exchange factor 1; minus strand). Cytogenetic location: 2p22.1.
Variant type: single nucleotide variant.
Coding change: c.1706T>C on transcript NM_005633.4 (MANE Select); coding-DNA position 1706, T replaced by C.
Protein change: p.Leu569Pro; replaces leucine 569 with proline.
Molecular consequence: missense variant.
Genome position (GRCh38, 1-based): chr2:39,022,722, A>G on the plus strand (T>C on the coding strand, the complement: SOS1 is on the minus strand). VCF-style: chr2-39022722-A-G. GRCh37 (hg19) VCF-style: chr2-39249863-A-G.
Other names: c.1685T>C, p.Leu562Pro (NM_001382394.1); c.1706T>C, p.Leu569Pro (NM_001382395.1); short protein forms L562P, L569P.
Identifiers: ClinVar variation 1328600 (VCV001328600.2), dbSNP rs2124536533, ClinGen allele CA346365569.